The following is an entry in ClinVar:

NM_014698.3(TMEM63A):c.676-1G>C

Gene: TMEM63A (transmembrane protein 63A; minus strand). Cytogenetic location: 1q42.12.
Variant type: single nucleotide variant.
Coding change: c.676-1G>C on transcript NM_014698.3 (MANE Select); the canonical splice acceptor site of the intron before coding-DNA position 676, G replaced by C.
Molecular consequence: splice acceptor variant.
Genome position (GRCh38, 1-based): chr1:225,865,968, C>G on the plus strand (G>C on the coding strand, the complement: TMEM63A is on the minus strand). VCF-style: chr1-225865968-C-G. GRCh37 (hg19) VCF-style: chr1-226053668-C-G.
Identifiers: ClinVar variation 5006184 (VCV005006184.2).

ClinVar aggregate classification (germline): Uncertain significance (1 of 4 stars; one submission).

Conditions:
Leukodystrophy, hypomyelinating, 19, transient infantile. Identifiers: MedGen C5231463, MONDO:0032871, OMIM 618688.

gnomAD v4.1: 4 of 1,613,708 alleles (0.00025%); highest among the groups gnomAD compares: East Asian, 0.0067%; no homozygotes.

Submission:

Juno Genomics, Hangzhou Juno Genomics, Inc
Classification: Uncertain significance for Leukodystrophy, hypomyelinating, 19, transient infantile. Review status: criteria provided, single submitter. Criteria: ACMG Guidelines, 2015. Collection method: clinical testing. Allele origin: germline.
Comment: Absent from controls (or at extremely low frequency if recessive) in Genome Aggregation Database.